The following is an entry in ClinVar:

NM_001089.3(ABCA3):c.2899G>A (p.Val967Ile)

Gene: ABCA3 (ATP binding cassette subfamily A member 3; minus strand). Cytogenetic location: 16p13.3.
Variant type: single nucleotide variant.
Coding change: c.2899G>A on transcript NM_001089.3 (MANE Select); coding-DNA position 2899, G replaced by A.
Protein change: p.Val967Ile; replaces valine 967 with isoleucine.
Molecular consequence: missense variant.
Genome position (GRCh38, 1-based): chr16:2,288,131, C>T on the plus strand (G>A on the coding strand, the complement: ABCA3 is on the minus strand). VCF-style: chr16-2288131-C-T. GRCh37 (hg19) VCF-style: chr16-2338132-C-T.
Other names: short protein forms V967I.
Identifiers: ClinVar variation 3848162 (VCV003848162.1).

ClinVar aggregate classification (germline): Uncertain significance (1 of 4 stars; one submission).

Conditions:
Hereditary pulmonary alveolar proteinosis. Also called: Pulmonary surfactant metabolism dysfunction. Identifiers: Orphanet 264675, MedGen C3711368, MONDO:0012580.

gnomAD v4.1: 5 of 1,612,732 alleles (0.00031%); highest among the groups gnomAD compares: East Asian, 0.0022%; no homozygotes.

Submission:

Ambry Genetics
Classification: Uncertain significance for Hereditary pulmonary alveolar proteinosis. Last evaluated: 2024-12-20. Review status: criteria provided, single submitter. Criteria: Ambry Variant Classification Scheme 2023. Collection method: clinical testing. Allele origin: germline.
Comment: The p.V967I variant (also known as c.2899G>A), located in coding exon 18 of the ABCA3 gene, results from a G to A substitution at nucleotide position 2899. The valine at codon 967 is replaced by isoleucine, an amino acid with highly similar properties. This amino acid position is conserved. In addition, this alteration is predicted to be tolerated by in silico analysis. Based on the available evidence, the clinical significance of this variant remains unclear.